The following is an entry in ClinVar:

ClinVar aggregate classification (germline): Conflicting classifications of pathogenicity. Review status: criteria provided, conflicting classifications (1 of 4 stars). 2 submissions from 2 submitters: Uncertain significance (1); Likely benign (1). Last evaluated 2025-04-17.

Conditions:
TTN-related disorder. Also called: TTN-related condition; TTN-related disease; TTN-related disorders.

Allele frequency attached by ClinVar (database versions not stated): gnomAD exomes 0.00001 and 0.00010; ExAC 0.00002; gnomAD 0.00002 and 0.00003; TOPMed 0.00004; ESP Exome Variant Server 0.00008.
gnomAD v4.1: 158 of 1,613,272 alleles (0.0098%); highest among the groups gnomAD compares: Non-Finnish European, 0.013%; no homozygotes.

Submissions (2):

PreventionGenetics, part of Exact Sciences
Classification: Likely benign for TTN-related condition. Last evaluated: 2025-04-17. Review status: criteria provided, single submitter. Criteria: ACMG Guidelines, 2015. Collection method: clinical testing. Allele origin: germline.
Comment: This variant is classified as likely benign based on ACMG/AMP sequence variant interpretation guidelines (Richards et al. 2015 PMID: 25741868, with internal and published modifications).

Eurofins Ntd Llc (ga)
Classification: Uncertain significance. Last evaluated: 2017-01-16. Review status: criteria provided, single submitter. Criteria: EGL Classification Definitions 2015. Collection method: clinical testing. Allele origin: germline. Observed: 1 variant allele, 1 heterozygote.

NM_133379.5(TTN):c.16248A>G (p.Glu5416=)

Gene: TTN (titin; minus strand). Cytogenetic location: 2q31.2.
Variant type: single nucleotide variant.
Coding change: c.16248A>G on transcript NM_133379.5; coding-DNA position 16248, A replaced by G.
Protein change: p.Glu5416=; no amino-acid change (glutamic acid 5416 retained).
Molecular consequence: synonymous variant. On other transcripts: intron variant (6).
Genome position (GRCh38, 1-based): chr2:178,746,152, T>C on the plus strand (A>G on the coding strand, the complement: TTN is on the minus strand). VCF-style: chr2-178746152-T-C. GRCh37 (hg19) VCF-style: chr2-179610879-T-C.
Other names: c.16248A>G (NM_133379.4); c.10223-4231A>G (NM_003319.4); c.10799-4231A>G (NM_133437.4); c.10598-4231A>G (NM_133432.3); c.10360+6972A>G (NM_133378.4); c.10361-4231A>G (NM_001256850.1); c.11312-4231A>G (NM_001267550.2).
Identifiers: ClinVar variation 499603 (VCV000499603.6), dbSNP rs374533512, ClinGen allele CA2002971.